The following is an entry in ClinVar:

NM_000554.6(CRX):c.464C>T (p.Thr155Met)

Gene: CRX (cone-rod homeobox; plus strand). Cytogenetic location: 19q13.33.
Variant type: single nucleotide variant.
Coding change: c.464C>T on transcript NM_000554.6 (MANE Select); coding-DNA position 464, C replaced by T.
Protein change: p.Thr155Met; replaces threonine 155 with methionine.
Molecular consequence: missense variant.
Genome position (GRCh38, 1-based): chr19:47,839,531, C>T. VCF-style: chr19-47839531-C-T. GRCh37 (hg19) VCF-style: chr19-48342788-C-T.
Other names: short protein forms T155M.
Identifiers: ClinVar variation 859152 (VCV000859152.13), dbSNP rs753466818, ClinGen allele CA9544497.
Genomic context (GRCh38, chr19:47,839,531, plus strand): 5'-CTCTGGGCATCTCAGATTCCTACAGTCCCCCTCTGCCCGGCCCCTCAGGCTCCCCAACCA[C>T]GGCAGTGGCCACTGTGTCCATCTGGAGCCCAGCCTCAGAGTCCCCTTTGCCTGAGGCGCA-3'
Protein context (NP_000545.1, residues 145-165): PLPGPSGSPT[Thr155Met]AVATVSIWSP

ClinVar aggregate classification (germline): Uncertain significance. Review status: criteria provided, multiple submitters, no conflicts (2 of 4 stars). 3 submissions from 3 submitters: Uncertain significance (3). Last evaluated 2023-01-11.

Conditions:
Cone-rod dystrophy 2 (CORD2). Also called: CONE-ROD RETINAL DYSTROPHY; Cone-rod retinal dystrophy 2. Identifiers: Orphanet 1872, MedGen C3489532, MONDO:0007362, OMIM 120970.
Leber congenital amaurosis 7 (LCA7). Identifiers: Orphanet 65, MedGen C3151192, MONDO:0013449, OMIM 613829.
Inborn genetic diseases. Identifiers: MedGen C0950123, MeSH D030342.

Allele frequency attached by ClinVar (database versions not stated): gnomAD exomes 0.00001; TOPMed 0.00001; ExAC 0.00003; gnomAD 0.00003.

Submissions (3):

Labcorp Genetics (formerly Invitae), Labcorp
Classification: Uncertain significance for Cone-rod dystrophy 2; Leber congenital amaurosis 7. Last evaluated: 2023-01-11. Review status: criteria provided, single submitter. Criteria: Invitae Variant Classification Sherloc (09022015). Collection method: clinical testing. Allele origin: germline.
Comment: Advanced modeling of protein sequence and biophysical properties (such as structural, functional, and spatial information, amino acid conservation, physicochemical variation, residue mobility, and thermodynamic stability) performed at Invitae indicates that this missense variant is not expected to disrupt CRX protein function. In summary, the available evidence is currently insufficient to determine the role of this variant in disease. Therefore, it has been classified as a Variant of Uncertain Significance. ClinVar contains an entry for this variant (Variation ID: 859152). This variant has not been reported in the literature in individuals affected with CRX-related conditions. This variant is present in population databases (rs753466818, gnomAD 0.006%). This sequence change replaces threonine, which is neutral and polar, with methionine, which is neutral and non-polar, at codon 155 of the CRX protein (p.Thr155Met).

Ambry Genetics
Classification: Uncertain significance for Inborn genetic diseases. Last evaluated: 2022-12-07. Review status: criteria provided, single submitter. Criteria: Ambry Variant Classification Scheme 2023. Collection method: clinical testing. Allele origin: germline.

Blueprint Genetics
Classification: Uncertain significance. Last evaluated: 2020-03-09. Review status: criteria provided, single submitter. Criteria: ACMG Guidelines, 2015. Collection method: clinical testing. Allele origin: germline.